The following is an entry in ClinVar:

NM_001102564.3(IFT43):c.214A>C (p.Lys72Gln)

Gene: IFT43 (intraflagellar transport 43; plus strand). Cytogenetic location: 14q24.3.
Variant type: single nucleotide variant.
Coding change: c.214A>C on transcript NM_001102564.3 (MANE Select); coding-DNA position 214, A replaced by C.
Protein change: p.Lys72Gln; replaces lysine 72 with glutamine.
Molecular consequence: missense variant. On other transcripts: non-coding transcript variant (2).
Genome position (GRCh38, 1-based): chr14:76,022,393, A>C. VCF-style: chr14-76022393-A-C. GRCh37 (hg19) VCF-style: chr14-76488736-A-C.
Other names: c.214A>C, p.Lys72Gln (NM_001255995.3); c.214A>C, p.Asn72His (NM_052873.3); c.214A>C (NM_052873.2); short protein forms N72H, K72Q.
Identifiers: ClinVar variation 1908518 (VCV001908518.6), dbSNP rs939723715, ClinGen allele CA263708139.

ClinVar aggregate classification (germline): Uncertain significance. Review status: criteria provided, multiple submitters, no conflicts (2 of 4 stars). 2 submissions from 2 submitters: Uncertain significance (2). Last evaluated 2025-06-07.

Allele frequency attached by ClinVar (database versions not stated): gnomAD 0.00001.
gnomAD v4.1: 5 of 1,592,316 alleles (0.00031%); highest among the groups gnomAD compares: African/African-American, 0.0054%; no homozygotes.

Submissions (2):

Ambry Genetics
Classification: Uncertain significance. Last evaluated: 2025-06-07. Review status: criteria provided, single submitter. Criteria: Ambry Variant Classification Scheme 2023. Collection method: clinical testing. Allele origin: germline.

Labcorp Genetics (formerly Invitae), Labcorp
Classification: Uncertain significance. Last evaluated: 2022-05-31. Review status: criteria provided, single submitter. Criteria: Invitae Variant Classification Sherloc (09022015). Collection method: clinical testing. Allele origin: germline.
Comment: This sequence change replaces asparagine, which is neutral and polar, with histidine, which is basic and polar, at codon 72 of the IFT43 protein (p.Asn72His). This variant is not present in population databases (gnomAD no frequency). This variant has not been reported in the literature in individuals affected with IFT43-related conditions. Algorithms developed to predict the effect of missense changes on protein structure and function are either unavailable or do not agree on the potential impact of this missense change (SIFT: "Tolerated"; PolyPhen-2: "Possibly Damaging"; Align-GVGD: "Class C0"). In summary, the available evidence is currently insufficient to determine the role of this variant in disease. Therefore, it has been classified as a Variant of Uncertain Significance.